The following is an entry in ClinVar:

ClinVar aggregate classification (germline): Uncertain significance (1 of 4 stars; one submission).

Conditions:
Hereditary cancer-predisposing syndrome. Also called: Neoplastic Syndromes, Hereditary; Tumor predisposition; Hereditary Cancer Syndrome; Hereditary neoplastic syndrome. Identifiers: Orphanet 140162, MedGen C0027672, MeSH D009386, MONDO:0015356.

gnomAD v4.1: 1 of 1,609,368 alleles (0.000062%); highest among the groups gnomAD compares: Non-Finnish European, 0.000085%; no homozygotes.

Submission:

Ambry Genetics
Classification: Uncertain significance for Hereditary cancer-predisposing syndrome. Last evaluated: 2025-09-26. Review status: criteria provided, single submitter. Criteria: Ambry Variant Classification Scheme 2023. Collection method: clinical testing. Allele origin: germline.
Comment: The p.K154Q variant (also known as c.460A>C), located in coding exon 1 of the AXIN2 gene, results from an A to C substitution at nucleotide position 460. The lysine at codon 154 is replaced by glutamine, an amino acid with similar properties. This amino acid position is highly conserved in available vertebrate species. In addition, this alteration is predicted to be tolerated by in silico analysis. Based on the available evidence, the clinical significance of this variant remains unclear.

NM_004655.4(AXIN2):c.460A>C (p.Lys154Gln)

Gene: AXIN2 (axin 2; minus strand). Cytogenetic location: 17q24.1.
Variant type: single nucleotide variant.
Coding change: c.460A>C on transcript NM_004655.4 (MANE Select); coding-DNA position 460, A replaced by C.
Protein change: p.Lys154Gln; replaces lysine 154 with glutamine.
Molecular consequence: missense variant.
Genome position (GRCh38, 1-based): chr17:65,558,161, T>G on the plus strand (A>C on the coding strand, the complement: AXIN2 is on the minus strand). VCF-style: chr17-65558161-T-G. GRCh37 (hg19) VCF-style: chr17-63554279-T-G.
Other names: c.460A>C, p.Lys154Gln (NM_001363813.1); short protein forms K154Q.
Identifiers: ClinVar variation 4619471 (VCV004619471.1).